The following is an entry in ClinVar:

ClinVar aggregate classification (germline): Pathogenic/Likely pathogenic. Review status: criteria provided, multiple submitters, no conflicts (2 of 4 stars). 4 submissions from 4 submitters: Pathogenic (2); Likely pathogenic (2). Last evaluated 2025-10-02.

Conditions:
LZTR1-related disorder. Also called: LZTR1-related disorders; LZTR1-related condition.
Hereditary cancer-predisposing syndrome. Also called: Hereditary Cancer Syndrome; Hereditary neoplastic syndrome; Tumor predisposition; Neoplastic Syndromes, Hereditary. Identifiers: Orphanet 140162, MedGen C0027672, MeSH D009386, MONDO:0015356.
Cardiovascular phenotype. Identifiers: MedGen CN230736.
LZTR1-related schwannomatosis. Also called: Schwannomatosis-2, susceptibility to; Schwannomatosis 2. Identifiers: Orphanet 93921, MedGen C3810283, MONDO:0014299, OMIM 615670.

Allele frequency attached by ClinVar (database versions not stated): gnomAD exomes below 0.00001 and 0.00004; TOPMed 0.00001; ExAC 0.00003.
gnomAD v4.1: 4 of 1,611,866 alleles (0.00025%); highest among the groups gnomAD compares: East Asian, 0.0067%; no homozygotes.

Submissions (4):

Labcorp Genetics (formerly Invitae), Labcorp
Classification: Pathogenic. Last evaluated: 2025-10-02. Review status: criteria provided, single submitter. Criteria: Invitae Variant Classification Sherloc (09022015). Collection method: clinical testing. Allele origin: germline.
Comment: This sequence change creates a premature translational stop signal (p.Gln590*) in the LZTR1 gene. It is expected to result in an absent or disrupted protein product. Loss-of-function variants in LZTR1 are known to be pathogenic (PMID: 24362817, 25335493, 25480913, 25795793, 29469822, 30368668, 30442762, 30442766, 30481304, 30859559). This variant is present in population databases (rs754685052, gnomAD 0.06%). This variant has not been reported in the literature in individuals affected with LZTR1-related conditions. ClinVar contains an entry for this variant (Variation ID: 1372950). For these reasons, this variant has been classified as Pathogenic.

Ambry Genetics
Classification: Pathogenic for Cardiovascular phenotype; Hereditary cancer-predisposing syndrome. Last evaluated: 2025-05-07. Review status: criteria provided, single submitter. Criteria: Ambry Variant Classification Scheme 2023. Collection method: clinical testing. Allele origin: germline.
Comment: The p.Q590* variant (also known as c.1768C>T), located in coding exon 15 of the LZTR1 gene, results from a C to T substitution at nucleotide position 1768. This changes the amino acid from a glutamine to a stop codon within coding exon 15. This alteration is expected to result in loss of function by premature protein truncation or nonsense-mediated mRNA decay. Loss-of-function variants in LZTR1 are related to an increased risk for schwannomas and autosomal recessive Noonan syndrome; however, such associations with autosomal dominant Noonan syndrome have not been observed (Piotrowski A et al. Nat Genet. 2014 Feb;46:182-7; Yamamoto GL et al. J Med Genet. 2015 Jun;52:413-21; Johnston JJ et al. Genet Med. 2018 10;20:1175-1185). Based on the supporting evidence, this variant is pathogenic for an increased risk of LZTR1-related schwannomatosis (SWN) and would be expected to cause autosomal recessive Noonan syndrome when present along with a second pathogenic or likely pathogenic variant on the other allele; however, the association of this alteration with autosomal dominant Noonan syndrome is unlikely.

Blueprint Genetics
Classification: Likely pathogenic for LZTR1-related disorders. Last evaluated: 2020-12-14. Review status: criteria provided, single submitter. Criteria: ACMG Guidelines, 2015. Collection method: clinical testing. Allele origin: germline. Affected: yes. Observed: 1 variant allele.

Juno Genomics, Hangzhou Juno Genomics, Inc
Classification: Likely pathogenic for LZTR1-related schwannomatosis. Review status: criteria provided, single submitter. Criteria: ACMG Guidelines, 2015. Collection method: clinical testing. Allele origin: germline.
Comment: Absent from controls (or at extremely low frequency if recessive) in Genome Aggregation Database.;Null variant in a gene where loss of function (LOF) is a known mechanism of disease.

Literature cited by the submitters: PubMed 24362817 (cited by Labcorp Genetics (formerly Invitae), Labcorp); PubMed 25335493 (cited by Labcorp Genetics (formerly Invitae), Labcorp); PubMed 25480913 (cited by Labcorp Genetics (formerly Invitae), Labcorp); PubMed 25795793 (cited by Labcorp Genetics (formerly Invitae), Labcorp); PubMed 29469822 (cited by Labcorp Genetics (formerly Invitae), Labcorp); PubMed 30368668 (cited by Labcorp Genetics (formerly Invitae), Labcorp); PubMed 30442762 (cited by Labcorp Genetics (formerly Invitae), Labcorp); PubMed 30442766 (cited by Labcorp Genetics (formerly Invitae), Labcorp); PubMed 30481304 (cited by Labcorp Genetics (formerly Invitae), Labcorp); PubMed 30859559 (cited by Labcorp Genetics (formerly Invitae), Labcorp).

NM_006767.4(LZTR1):c.1768C>T (p.Gln590Ter)

Gene: LZTR1 (leucine zipper like post translational regulator 1; plus strand). Cytogenetic location: 22q11.21.
Variant type: single nucleotide variant.
Coding change: c.1768C>T on transcript NM_006767.4 (MANE Select); coding-DNA position 1768, C replaced by T.
Protein change: p.Gln590Ter; replaces glutamine 590 with a stop codon.
Molecular consequence: nonsense.
Genome position (GRCh38, 1-based): chr22:20,994,710, C>T. VCF-style: chr22-20994710-C-T. GRCh37 (hg19) VCF-style: chr22-21348999-C-T.
Other names: short protein forms Q590*.
Identifiers: ClinVar variation 1372950 (VCV001372950.12), dbSNP rs754685052, ClinGen allele CA10119049.